The following is an entry in ClinVar:

ClinVar aggregate classification (germline): Conflicting classifications of pathogenicity. Review status: criteria provided, conflicting classifications (1 of 4 stars). 3 submissions from 3 submitters: Uncertain significance (1); Likely benign (2). Last evaluated 2025-11-23.

Conditions:
Tuberous sclerosis 2 (TSC2). Identifiers: Orphanet 805, MedGen C1860707, MONDO:0013199, OMIM 613254.

Submissions (3):

Labcorp Genetics (formerly Invitae), Labcorp
Classification: Likely benign for Tuberous sclerosis 2. Last evaluated: 2025-11-23. Review status: criteria provided, single submitter. Criteria: Invitae Variant Classification Sherloc (09022015). Collection method: clinical testing. Allele origin: germline.

Myriad Genetics, Inc.
Classification: Likely benign for Tuberous sclerosis 2. Last evaluated: 2025-06-05. Review status: criteria provided, single submitter. Criteria: Myriad Autosomal Dominant, Autosomal Recessive and X-Linked Classification Criteria (2023). Collection method: clinical testing. Allele origin: unknown.
Comment: This variant is considered likely benign. This variant is intronic and is not expected to impact mRNA splicing.

St. Jude Molecular Pathology, St. Jude Children's Research Hospital
Classification: Uncertain significance for Tuberous sclerosis 2. Last evaluated: 2023-04-03. Review status: criteria provided, single submitter. Criteria: St. Jude Assertion Criteria 2020. Collection method: clinical testing. Allele origin: germline.
Comment: The TSC2 c.5069-10G>A intronic change results in a G to A substitution at the -10 position of intron 39 of the TSC2 gene. Algorithms that predict the impact of sequence changes on splicing indicate that this change may result in loss of the native acceptor, however internal data suggests that this variant does not impact splicing. This variant is absent in gnomAD v2.1.1. To our knowledge, this variant has not been reported in individuals with tuberous sclerosis complex. In summary, the evidence currently available is insufficient to determine the clinical significance of this variant. It has therefore been classified as of uncertain significance.

NM_000548.5(TSC2):c.5069-10G>A

Gene: TSC2 (TSC complex subunit 2; plus strand). Cytogenetic location: 16p13.3.
Variant type: single nucleotide variant.
Coding change: c.5069-10G>A on transcript NM_000548.5 (MANE Select); 10 bases into the intron before coding-DNA position 5069, G replaced by A.
Molecular consequence: intron variant.
Genome position (GRCh38, 1-based): chr16:2,088,038, G>A. VCF-style: chr16-2088038-G-A. GRCh37 (hg19) VCF-style: chr16-2138039-G-A.
Other names: c.5000-10G>A (NM_001114382.3); c.4940-10G>A (NM_021055.3, NM_001370405.1); c.4871-10G>A (NM_001363528.2); c.4937-10G>A (NM_001370404.1); c.4868-10G>A (NM_001077183.3); c.4760-10G>A (NM_001318827.2); c.4337-10G>A (NM_001318831.2); c.4724-10G>A (NM_001318829.2); and 1 more.
Identifiers: ClinVar variation 2086594 (VCV002086594.6), dbSNP rs1409032179, ClinGen allele CA2575877205.